The following is an entry in ClinVar:

ClinVar aggregate classification (germline): Benign/Likely benign. Review status: criteria provided, multiple submitters, no conflicts (2 of 4 stars). 3 submissions from 3 submitters: Benign (1); Likely benign (2). Last evaluated 2026-06-01.

Conditions:
DYRK1A-related intellectual disability syndrome (MRD7). Also called: DYRK1A Syndrome; Intellectual developmental disorder, autosomal dominant 7. Identifiers: Orphanet 464306, MedGen C5568143, MONDO:0013578, OMIM 614104.
Inborn genetic diseases. Identifiers: MedGen C0950123, MeSH D030342.

Allele frequency attached by ClinVar (database versions not stated): gnomAD 0.00001; gnomAD exomes 0.00001 and 0.00002; TOPMed 0.00001; ExAC 0.00002.
gnomAD v4.1: 15 of 1,614,094 alleles (0.00093%); highest among the groups gnomAD compares: Middle Eastern, 0.016%; no homozygotes.

Submissions (3):

CeGaT Center for Human Genetics Tuebingen
Classification: Likely benign. Last evaluated: 2026-06-01. Review status: criteria provided, single submitter. Criteria: CeGaT Center For Human Genetics Tuebingen Variant Classification Criteria Version 2. Collection method: clinical testing. Allele origin: germline. Affected: yes. Observed: 1 variant allele.
Comment: DYRK1A: BS2

Labcorp Genetics (formerly Invitae), Labcorp
Classification: Benign for DYRK1A-related intellectual disability syndrome. Last evaluated: 2025-10-17. Review status: criteria provided, single submitter. Criteria: Invitae Variant Classification Sherloc (09022015). Collection method: clinical testing. Allele origin: germline.

Ambry Genetics
Classification: Likely benign for Inborn genetic diseases. Last evaluated: 2024-01-30. Review status: criteria provided, single submitter. Criteria: Ambry Variant Classification Scheme 2023. Collection method: clinical testing. Allele origin: germline.

NM_001347721.2(DYRK1A):c.2084T>C (p.Val695Ala)

Gene: DYRK1A (dual specificity tyrosine phosphorylation regulated kinase 1A; plus strand). Cytogenetic location: 21q22.13.
Variant type: single nucleotide variant.
Coding change: c.2084T>C on transcript NM_001347721.2 (MANE Select); coding-DNA position 2084, T replaced by C.
Protein change: p.Val695Ala; replaces valine 695 with alanine.
Molecular consequence: missense variant. On other transcripts: 3 prime UTR variant (2).
Genome position (GRCh38, 1-based): chr21:37,512,350, T>C. VCF-style: chr21-37512350-T-C. GRCh37 (hg19) VCF-style: chr21-38884653-T-C.
Other names: c.2084T>C, p.Val695Ala (NM_001347722.2, NM_130436.2); c.1997T>C, p.Val666Ala (NM_001347723.2); c.2111T>C, p.Val704Ala (NM_001396.5); c.*487T>C (NM_101395.2); c.*396T>C (NM_130438.2); short protein forms V695A, V666A, V704A.
Identifiers: ClinVar variation 833978 (VCV000833978.13), dbSNP rs763795503, ClinGen allele CA10024160.